The following is an entry in ClinVar:

ClinVar aggregate classification (germline): Uncertain significance (1 of 4 stars; one submission).

Conditions:
Ehlers-Danlos syndrome, kyphoscoliotic type 1 (EDSKSCL1). Also called: EHLERS-DANLOS SYNDROME, OCULAR-SCOLIOTIC TYPE; Ehlers-Danlos syndrome, hydroxylysine-deficient; PLOD1-Related Kyphoscoliotic Ehlers-Danlos Syndrome; EHLERS-DANLOS SYNDROME, TYPE VIA. Identifiers: Orphanet 1900, MedGen C0268342, MONDO:0016002, OMIM 225400. Disease mechanism: loss of function.

Submission:

Labcorp Genetics (formerly Invitae), Labcorp
Classification: Uncertain significance for Ehlers-Danlos syndrome, kyphoscoliotic type 1. Last evaluated: 2019-02-20. Review status: criteria provided, single submitter. Criteria: Invitae Variant Classification Sherloc (09022015). Collection method: clinical testing. Allele origin: germline.
Comment: Algorithms developed to predict the effect of missense changes on protein structure and function (SIFT, PolyPhen-2, Align-GVGD) all suggest that this variant is likely to be tolerated, but these predictions have not been confirmed by published functional studies and their clinical significance is uncertain. In summary, the available evidence is currently insufficient to determine the role of this variant in disease. Therefore, it has been classified as a Variant of Uncertain Significance. This variant has not been reported in the literature in individuals with PLOD1-related conditions. This variant is not present in population databases (ExAC no frequency). This sequence change replaces glutamine with histidine at codon 123 of the PLOD1 protein (p.Gln123His). The glutamine residue is moderately conserved and there is a small physicochemical difference between glutamine and histidine.

NM_000302.4(PLOD1):c.369G>C (p.Gln123His)

Gene: PLOD1 (procollagen-lysine,2-oxoglutarate 5-dioxygenase 1; plus strand). Cytogenetic location: 1p36.22.
Variant type: single nucleotide variant.
Coding change: c.369G>C on transcript NM_000302.4 (MANE Select); coding-DNA position 369, G replaced by C.
Protein change: p.Gln123His; replaces glutamine 123 with histidine.
Molecular consequence: missense variant.
Genome position (GRCh38, 1-based): chr1:11,950,423, G>C. VCF-style: chr1-11950423-G-C. GRCh37 (hg19) VCF-style: chr1-12010480-G-C.
Other names: c.510G>C, p.Gln170His (NM_001316320.2); short protein forms Q123H, Q170H.
Identifiers: ClinVar variation 861523 (VCV000861523.10), dbSNP rs1645691361, ClinGen allele CA338427094.